The following is an entry in ClinVar:

ClinVar aggregate classification (germline): Uncertain significance (1 of 4 stars; one submission).

Allele frequency attached by ClinVar (database versions not stated): gnomAD exomes below 0.00001; TOPMed below 0.00001; ExAC 0.00001.
gnomAD v4.1: 4 of 1,614,122 alleles (0.00025%); highest among the groups gnomAD compares: Non-Finnish European, 0.00034%; no homozygotes.

Submission:

Labcorp Genetics (formerly Invitae), Labcorp
Classification: Uncertain significance. Last evaluated: 2022-08-13. Review status: criteria provided, single submitter. Criteria: Invitae Variant Classification Sherloc (09022015). Collection method: clinical testing. Allele origin: germline.
Comment: This sequence change replaces glutamine, which is neutral and polar, with histidine, which is basic and polar, at codon 2175 of the FAT4 protein (p.Gln2175His). This variant is present in population databases (rs746388291, gnomAD 0.0009%). This variant has not been reported in the literature in individuals affected with FAT4-related conditions. ClinVar contains an entry for this variant (Variation ID: 1519828). Advanced modeling of protein sequence and biophysical properties (such as structural, functional, and spatial information, amino acid conservation, physicochemical variation, residue mobility, and thermodynamic stability) performed at Invitae indicates that this missense variant is not expected to disrupt FAT4 protein function. In summary, the available evidence is currently insufficient to determine the role of this variant in disease. Therefore, it has been classified as a Variant of Uncertain Significance.

NM_001291303.3(FAT4):c.6525A>T (p.Gln2175His)

Gene: FAT4 (FAT atypical cadherin 4; plus strand). Cytogenetic location: 4q28.1.
Variant type: single nucleotide variant.
Coding change: c.6525A>T on transcript NM_001291303.3 (MANE Select); coding-DNA position 6525, A replaced by T.
Protein change: p.Gln2175His; replaces glutamine 2175 with histidine.
Molecular consequence: missense variant.
Genome position (GRCh38, 1-based): chr4:125,415,488, A>T. VCF-style: chr4-125415488-A-T. GRCh37 (hg19) VCF-style: chr4-126336643-A-T.
Other names: c.6525A>T, p.Gln2175His (NM_001291285.3, NM_024582.6); short protein forms Q2175H.
Identifiers: ClinVar variation 1519828 (VCV001519828.5), dbSNP rs746388291, ClinGen allele CA3072928.